The following is an entry in ClinVar:

ClinVar aggregate classification (germline): Uncertain significance (1 of 4 stars; one submission).

Submission:

Ambry Genetics
Classification: Uncertain significance. Last evaluated: 2022-04-22. Review status: criteria provided, single submitter. Criteria: Ambry Variant Classification Scheme 2023. Collection method: clinical testing. Allele origin: germline.
Comment: The p.R2067P variant (also known as c.6200G>C), located in coding exon 46 of the PRKDC gene, results from a G to C substitution at nucleotide position 6200. The arginine at codon 2067 is replaced by proline, an amino acid with dissimilar properties. This amino acid position is conserved. Since supporting evidence is limited at this time, the clinical significance of this alteration remains unclear.

NM_006904.7(PRKDC):c.6200G>C (p.Arg2067Pro)

Gene: PRKDC (protein kinase, DNA-activated, catalytic subunit; minus strand). Cytogenetic location: 8q11.21.
Variant type: single nucleotide variant.
Coding change: c.6200G>C on transcript NM_006904.7 (MANE Select); coding-DNA position 6200, G replaced by C.
Protein change: p.Arg2067Pro; replaces arginine 2067 with proline.
Molecular consequence: missense variant.
Genome position (GRCh38, 1-based): chr8:47,859,618, C>G on the plus strand (G>C on the coding strand, the complement: PRKDC is on the minus strand). VCF-style: chr8-47859618-C-G. GRCh37 (hg19) VCF-style: chr8-48772179-C-G.
Other names: c.6200G>C, p.Arg2067Pro (NM_001081640.2); short protein forms R2067P.
Identifiers: ClinVar variation 1752180 (VCV001752180.2), dbSNP rs1199966847, ClinGen allele CA371161126.